The following is an entry in ClinVar:

ClinVar aggregate classification (germline): Uncertain significance. Review status: criteria provided, single submitter (1 of 4 stars). 2 submissions from 2 submitters: Uncertain significance (1). 1 of the submissions does not count toward it. Last evaluated 2026-06-11.

Conditions:
Cystic fibrosis (CF). Also called: MUCOVISCIDOSIS. Identifiers: Orphanet 586, MedGen C0010674, MONDO:0009061, OMIM 219700. Disease mechanism: loss of function.

Allele frequency attached by ClinVar (database versions not stated): gnomAD exomes below 0.00001.
gnomAD v4.1: 1 of 1,614,154 alleles (0.000062%); highest among the groups gnomAD compares: South Asian, 0.0011%; no homozygotes.

Submissions (2):

Ambry Genetics
Classification: Uncertain significance for Cystic fibrosis. Last evaluated: 2026-06-11. Review status: criteria provided, single submitter. Criteria: Ambry Variant Classification Scheme 2023. Collection method: clinical testing. Allele origin: germline.
Comment: The p.T338A variant (also known as c.1012A>G), located in coding exon 8 of the CFTR gene, results from an A to G substitution at nucleotide position 1012. The threonine at codon 338 is replaced by alanine, an amino acid with similar properties. In multiple assays testing CFTR function, this variant showed functionally indeterminant results (Negoda A et al. Biochim Biophys Acta Biomembr, 2017 May;1859:1049-1058; Linsdell P. Biochim Biophys Acta Biomembr, 2021 Apr;1863:183558; Levring J et al. Proc Natl Acad Sci U S A, 2024 Feb;121:e2316673121). This amino acid position is highly conserved in available vertebrate species. In addition, this alteration is predicted to be deleterious by in silico analysis. Based on the available evidence, the clinical significance of this variant remains unclear.

ClinVar Staff, National Center for Biotechnology Information (NCBI)
No classification provided. Condition: CFTR-related disorders. Review status: no classification provided. Collection method: literature only. Allele origin: germline. Affected: yes. Not counted in ClinVar's aggregate classification.

Literature cited by the submitters: PubMed 28235470 (cited by Ambry Genetics); PubMed 33444622 (cited by Ambry Genetics); PubMed 38381791 (cited by Ambry Genetics); PubMed 16973827 (cited by ClinVar Staff, National Center for Biotechnology Information (NCBI)).

NM_000492.4(CFTR):c.1012A>G (p.Thr338Ala)

Gene: CFTR (CF transmembrane conductance regulator; plus strand). Cytogenetic location: 7q31.2.
Variant type: single nucleotide variant.
Coding change: c.1012A>G on transcript NM_000492.4 (MANE Select); coding-DNA position 1012, A replaced by G.
Protein change: p.Thr338Ala; replaces threonine 338 with alanine.
Molecular consequence: missense variant.
Genome position (GRCh38, 1-based): chr7:117,540,242, A>G. VCF-style: chr7-117540242-A-G. GRCh37 (hg19) VCF-style: chr7-117180296-A-G.
Other names: short protein forms T338A.
Identifiers: ClinVar variation 53165 (VCV000053165.2), dbSNP rs397508142, ClinGen allele CA326367.